The following is an entry in ClinVar:

NM_015570.4(AUTS2):c.1115A>G (p.His372Arg)

Gene: AUTS2 (activator of transcription and developmental regulator AUTS2; plus strand). Cytogenetic location: 7q11.22.
Variant type: single nucleotide variant.
Coding change: c.1115A>G on transcript NM_015570.4 (MANE Select); coding-DNA position 1115, A replaced by G.
Protein change: p.His372Arg; replaces histidine 372 with arginine.
Molecular consequence: missense variant.
Genome position (GRCh38, 1-based): chr7:70,763,242, A>G. VCF-style: chr7-70763242-A-G. GRCh37 (hg19) VCF-style: chr7-70228228-A-G.
Other names: c.1115A>G, p.His372Arg (NM_001127231.3); short protein forms H372R.
Identifiers: ClinVar variation 3345927 (VCV003345927.1).

ClinVar aggregate classification (germline): Uncertain significance (0 of 4 stars; one submission).

Conditions:
AUTS2-related disorder. Also called: AUTS2-related condition.

gnomAD v4.1: 1 of 1,614,008 alleles (0.000062%); highest among the groups gnomAD compares: Non-Finnish European, 0.000085%; no homozygotes.

Submission:

PreventionGenetics, part of Exact Sciences
Classification: Uncertain significance for AUTS2-related condition. Last evaluated: 2024-06-12. Review status: no assertion criteria provided. Collection method: clinical testing. Allele origin: germline.
Comment: The AUTS2 c.1115A>G variant is predicted to result in the amino acid substitution p.His372Arg. To our knowledge, this variant has not been reported in the literature or in a large population database, indicating this variant is rare. At this time, the clinical significance of this variant is uncertain due to the absence of conclusive functional and genetic evidence.